The following is an entry in ClinVar:

ClinVar aggregate classification (germline): Conflicting classifications of pathogenicity. Review status: criteria provided, conflicting classifications (1 of 4 stars). 4 submissions from 4 submitters: Uncertain significance (1); Likely benign (3). Last evaluated 2025-01-09.

Conditions:
PALB2-related cancer predisposition. Identifiers: MedGen CN377761, MONDO:0700272.
Familial cancer of breast. Also called: hereditary breast carcinoma; Hereditary breast cancer; BREAST CANCER, FAMILIAL. Identifiers: Orphanet 227535, MedGen C0346153, MONDO:0016419, OMIM 114480. Disease mechanism: loss of function.

gnomAD v4.1: 8 of 1,612,988 alleles (0.0005%); highest among the groups gnomAD compares: Non-Finnish European, 0.00068%; no homozygotes.

Submissions (4):

Myriad Genetics, Inc.
Classification: Likely benign for Familial cancer of breast. Last evaluated: 2025-01-09. Review status: criteria provided, single submitter. Criteria: Myriad Autosomal Dominant, Autosomal Recessive and X-Linked Classification Criteria (2023). Collection method: clinical testing. Allele origin: unknown.
Comment: This variant is considered likely benign. This variant is intronic and is not expected to impact mRNA splicing.

Department of Pathology and Laboratory Medicine, Sinai Health System
Classification: Likely benign for PALB2-related cancer predisposition. Last evaluated: 2024-07-24. Review status: criteria provided, single submitter. Criteria: ACMG Guidelines, 2015. Collection method: clinical testing. Allele origin: germline.

Labcorp Genetics (formerly Invitae), Labcorp
Classification: Likely benign for Familial cancer of breast. Last evaluated: 2024-05-06. Review status: criteria provided, single submitter. Criteria: Invitae Variant Classification Sherloc (09022015). Collection method: clinical testing. Allele origin: germline.

Quest Diagnostics Nichols Institute San Juan Capistrano
Classification: Uncertain significance. Last evaluated: 2023-05-11. Review status: criteria provided, single submitter. Criteria: Quest Diagnostics criteria. Collection method: clinical testing. Allele origin: unknown.
Comment: To the best of our knowledge, this variant has not been reported in the published literature. It also has not been reported in large, multi-ethnic general populations. Analysis of this variant using software algorithms for the prediction of the effect of nucleotide changes on splicing yielded predictions that this variant does not affect PALB2 mRNA splicing . Based on the available information, we are unable to determine the clinical significance of this variant.

NM_024675.4(PALB2):c.48+10G>A

Gene: PALB2 (partner and localizer of BRCA2; minus strand). Cytogenetic location: 16p12.2.
Variant type: single nucleotide variant.
Coding change: c.48+10G>A on transcript NM_024675.4 (MANE Select); 10 bases into the intron after coding-DNA position 48, G replaced by A.
Molecular consequence: intron variant.
Genome position (GRCh38, 1-based): chr16:23,641,100, C>T on the plus strand (G>A on the coding strand, the complement: PALB2 is on the minus strand). VCF-style: chr16-23641100-C-T. GRCh37 (hg19) VCF-style: chr16-23652421-C-T.
Identifiers: ClinVar variation 619710 (VCV000619710.15), dbSNP rs1311681895, ClinGen allele CA913190540.
Genomic context (GRCh38, chr16:23,641,100, plus strand): 5'-AAAGCCAGGCCTAAAACCCTGGGAAAGCGGGGTCAGAGTCCTGCGTCCGCCCTTCCCGCA[C>T]CCCCGGCACCTTTTCCTTCTCCTCACAGCTGAGGGGCTTCCCGGGAGGCTCGTCCATCGG-3'